The following is an entry in ClinVar:

ClinVar aggregate classification (germline): Uncertain significance (1 of 4 stars; one submission).

Conditions:
Dyskeratosis congenita. Identifiers: Orphanet 1775, MedGen C0265965, MONDO:0015780.

Submission:

Labcorp Genetics (formerly Invitae), Labcorp
Classification: Uncertain significance for Dyskeratosis congenita. Last evaluated: 2025-10-09. Review status: criteria provided, single submitter. Criteria: Invitae Variant Classification Sherloc (09022015). Collection method: clinical testing. Allele origin: germline.
Comment: This sequence change replaces proline, which is neutral and non-polar, with leucine, which is neutral and non-polar, at codon 370 of the TINF2 protein (p.Pro370Leu). This variant is not present in population databases (gnomAD no frequency). This variant has not been reported in the literature in individuals affected with TINF2-related conditions. An algorithm developed to predict the effect of missense changes on protein structure and function (PolyPhen-2) suggests that this variant is likely to be disruptive. In summary, the available evidence is currently insufficient to determine the role of this variant in disease. Therefore, it has been classified as a Variant of Uncertain Significance.

NM_001099274.3(TINF2):c.1109C>T (p.Pro370Leu)

Gene: TINF2 (TERF1 interacting nuclear factor 2; minus strand). Cytogenetic location: 14q12.
Variant type: single nucleotide variant.
Coding change: c.1109C>T on transcript NM_001099274.3 (MANE Select); coding-DNA position 1109, C replaced by T.
Protein change: p.Pro370Leu; replaces proline 370 with leucine.
Molecular consequence: missense variant. On other transcripts: 3 prime UTR variant (1).
Genome position (GRCh38, 1-based): chr14:24,240,283, G>A on the plus strand (C>T on the coding strand, the complement: TINF2 is on the minus strand). VCF-style: chr14-24240283-G-A. GRCh37 (hg19) VCF-style: chr14-24709489-G-A.
Other names: c.1004C>T, p.Pro335Leu (NM_001363668.2); c.*132C>T (NM_012461.3); short protein forms P370L, P335L.
Identifiers: ClinVar variation 4780582 (VCV004780582.1).
Genomic context (GRCh38, chr14:24,240,283, plus strand): 5'-AGAGGAGGCTGTTGATCCAATCCTGACTCAGACTACCTACCTGGCTTCCTGGCCCTAGGA[G>A]GTAATAATGATAGTCTCAGGGGGTCCATGTAGCAATCCAAGCAATTCCTGAGGTGAGAGC-3'
Protein context (NP_001092744.1, residues 360-380): YMDPLRLSLL[Pro370Leu]PRARKPVCPP